The following is an entry in ClinVar:

NM_000215.4(JAK3):c.2619G>T (p.Gln873His)

Gene: JAK3 (Janus kinase 3; minus strand). Cytogenetic location: 19p13.11.
Variant type: single nucleotide variant.
Coding change: c.2619G>T on transcript NM_000215.4 (MANE Select); coding-DNA position 2619, G replaced by T.
Protein change: p.Gln873His; replaces glutamine 873 with histidine.
Molecular consequence: missense variant.
Genome position (GRCh38, 1-based): chr19:17,832,580, C>A on the plus strand (G>T on the coding strand, the complement: JAK3 is on the minus strand). VCF-style: chr19-17832580-C-A. GRCh37 (hg19) VCF-style: chr19-17943389-C-A.
Other names: short protein forms Q873H.
Identifiers: ClinVar variation 660868 (VCV000660868.4), dbSNP rs200645418, ClinGen allele CA9301567.

ClinVar aggregate classification (germline): Uncertain significance (1 of 4 stars; one submission).

Conditions:
T-B+ severe combined immunodeficiency due to JAK3 deficiency. Also called: SCID, autosomal recessive, T-negative/B-positive type; SCID, T CELL-NEGATIVE, B CELL-POSITIVE, NK CELL-NEGATIVE. Identifiers: Orphanet 35078, MedGen C1833275, MONDO:0010938, OMIM 600802.

Allele frequency attached by ClinVar (database versions not stated): ExAC 0.00001; gnomAD 0.00003 and 0.00004; gnomAD exomes 0.00002; TOPMed 0.00002.
gnomAD v4.1: 102 of 1,614,134 alleles (0.0063%); highest among the groups gnomAD compares: Non-Finnish European, 0.0082%; no homozygotes.

Submission:

Labcorp Genetics (formerly Invitae), Labcorp
Classification: Uncertain significance for T-B+ severe combined immunodeficiency due to JAK3 deficiency. Last evaluated: 2022-03-17. Review status: criteria provided, single submitter. Criteria: Invitae Variant Classification Sherloc (09022015). Collection method: clinical testing. Allele origin: germline.
Comment: This sequence change replaces glutamine, which is neutral and polar, with histidine, which is basic and polar, at codon 873 of the JAK3 protein (p.Gln873His). This variant is present in population databases (rs200645418, gnomAD 0.005%). This variant has not been reported in the literature in individuals affected with JAK3-related conditions. ClinVar contains an entry for this variant (Variation ID: 660868). Advanced modeling of protein sequence and biophysical properties (such as structural, functional, and spatial information, amino acid conservation, physicochemical variation, residue mobility, and thermodynamic stability) performed at Invitae indicates that this missense variant is not expected to disrupt JAK3 protein function. In summary, the available evidence is currently insufficient to determine the role of this variant in disease. Therefore, it has been classified as a Variant of Uncertain Significance.